The following is an entry in ClinVar:

NM_198253.3(TERT):c.764C>A (p.Ser255Tyr)

Gene: TERT (telomerase reverse transcriptase; minus strand). Cytogenetic location: 5p15.33.
Variant type: single nucleotide variant.
Coding change: c.764C>A on transcript NM_198253.3 (MANE Select); coding-DNA position 764, C replaced by A.
Protein change: p.Ser255Tyr; replaces serine 255 with tyrosine.
Molecular consequence: missense variant. On other transcripts: non-coding transcript variant (2).
Genome position (GRCh38, 1-based): chr5:1,294,122, G>T on the plus strand (C>A on the coding strand, the complement: TERT is on the minus strand). VCF-style: chr5-1294122-G-T. GRCh37 (hg19) VCF-style: chr5-1294237-G-T.
Other names: c.764C>A, p.Ser255Tyr (NM_001193376.3); short protein forms S255Y.
Identifiers: ClinVar variation 906428 (VCV000906428.10), dbSNP rs1751207450, ClinGen allele CA359056869.

ClinVar aggregate classification (germline): Uncertain significance. Review status: criteria provided, multiple submitters, no conflicts (2 of 4 stars). 6 submissions from 4 submitters: Uncertain significance (6). Last evaluated 2025-06-11.

Conditions:
Interstitial lung disease 2 (ILD2). Also called: Familial idiopathic pulmonary fibrosis; FIBROCYSTIC PULMONARY DYSPLASIA; FIBROSING ALVEOLITIS, CRYPTOGENIC. Identifiers: Orphanet 2032, Orphanet 79126, MedGen C5561926, MONDO:0800497, OMIM 178500, MONDO:0800029.
Melanoma, cutaneous malignant, susceptibility to, 9. Also called: Cutaneous malignant melanoma 9. Identifiers: Orphanet 618, MedGen C3554574, MONDO:0014056, OMIM 615134.
Acute myeloid leukemia (AML). Also called: Acute myeloid leukemia, adult; AML adult; Acute non-lymphocytic leukemia; Acute granulocytic leukemia; Leukemia, acute myeloid, somatic; Leukemia, acute myelogenous, somatic. Identifiers: Orphanet 519, MedGen C0023467, MeSH D015470, MONDO:0018874, OMIM 601626, HP:0004808. Disease mechanism: Constitutively activated FLT3.
Aplastic anemia. Identifiers: Orphanet 182040, Orphanet 88, MedGen C0002874, MONDO:0015909, OMIM 609135, HP:0001915.
Dyskeratosis congenita, autosomal dominant 2. Identifiers: MedGen C3151443, MONDO:0013521, OMIM 613989.
Dyskeratosis congenita, autosomal dominant 1 (DKCA1). Also called: Dyskeratosis congenita Scoggins type. Identifiers: Orphanet 1775, MedGen C4551974, MONDO:0007485, OMIM 127550. Inheritance: Variable.
Pulmonary fibrosis and/or bone marrow failure, Telomere-related, 1. Also called: PULMONARY FIBROSIS AND/OR BONE MARROW FAILURE SYNDROME, TELOMERE-RELATED, 1. Identifiers: Orphanet 88, MedGen C3553617, MONDO:0013878, OMIM 614742.
Idiopathic Pulmonary Fibrosis. Also called: Idiopathic fibrosing alveolitis, chronic form; idiopathic fibrosing alveolitis. Identifiers: Orphanet 2032, MedGen C1800706, MeSH D054990, MONDO:0800504.
Dyskeratosis congenita. Identifiers: Orphanet 1775, MedGen C0265965, MONDO:0015780.

Allele frequency attached by ClinVar (database versions not stated): gnomAD exomes below 0.00001.
gnomAD v4.1: 2 of 1,584,268 alleles (0.00013%); highest among the groups gnomAD compares: Non-Finnish European, 0.00017%; no homozygotes.

Submissions (6):

Ambry Genetics
Classification: Uncertain significance for Dyskeratosis congenita. Last evaluated: 2025-06-11. Review status: criteria provided, single submitter. Criteria: Ambry Variant Classification Scheme 2023. Collection method: clinical testing. Allele origin: germline.
Comment: The p.S255Y variant (also known as c.764C>A), located in coding exon 2 of the TERT gene, results from a C to A substitution at nucleotide position 764. The serine at codon 255 is replaced by tyrosine, an amino acid with dissimilar properties. This amino acid position is not well conserved in available vertebrate species. In addition, the in silico prediction for this alteration is inconclusive. Based on the available evidence, the clinical significance of this variant remains unclear.

Labcorp Genetics (formerly Invitae), Labcorp
Classification: Uncertain significance for Dyskeratosis congenita, autosomal dominant 2; Idiopathic Pulmonary Fibrosis. Last evaluated: 2022-06-16. Review status: criteria provided, single submitter. Criteria: Invitae Variant Classification Sherloc (09022015). Collection method: clinical testing. Allele origin: germline.
Comment: This sequence change replaces serine, which is neutral and polar, with tyrosine, which is neutral and polar, at codon 255 of the TERT protein (p.Ser255Tyr). This variant is not present in population databases (gnomAD no frequency). This variant has not been reported in the literature in individuals affected with TERT-related conditions. ClinVar contains an entry for this variant (Variation ID: 906428). Advanced modeling of protein sequence and biophysical properties (such as structural, functional, and spatial information, amino acid conservation, physicochemical variation, residue mobility, and thermodynamic stability) performed at Invitae indicates that this missense variant is not expected to disrupt TERT protein function. In summary, the available evidence is currently insufficient to determine the role of this variant in disease. Therefore, it has been classified as a Variant of Uncertain Significance.

Fulgent Genetics
Classification: Uncertain significance for Dyskeratosis congenita, autosomal dominant 1; Interstitial lung disease 2; Acute myeloid leukemia; Aplastic anemia; Dyskeratosis congenita, autosomal dominant 2; Pulmonary fibrosis and/or bone marrow failure, Telomere-related, 1; Melanoma, cutaneous malignant, susceptibility to, 9. Last evaluated: 2022-01-14. Review status: criteria provided, single submitter. Criteria: ACMG Guidelines, 2015. Collection method: clinical testing. Allele origin: unknown.

Illumina Laboratory Services, Illumina
Classification: Uncertain significance for Pulmonary fibrosis and/or bone marrow failure, Telomere-related, 1. Last evaluated: 2018-01-13. Review status: criteria provided, single submitter. Criteria: ICSL Variant Classification Criteria 13 December 2019. Collection method: clinical testing. Allele origin: germline.

Illumina Laboratory Services, Illumina
Classification: Uncertain significance for Aplastic anemia. Last evaluated: 2018-01-13. Review status: criteria provided, single submitter. Criteria: ICSL Variant Classification Criteria 13 December 2019. Collection method: clinical testing. Allele origin: germline.

Illumina Laboratory Services, Illumina
Classification: Uncertain significance for Dyskeratosis congenita, autosomal dominant 2. Last evaluated: 2018-01-13. Review status: criteria provided, single submitter. Criteria: ICSL Variant Classification Criteria 13 December 2019. Collection method: clinical testing. Allele origin: germline.